The following is an entry in ClinVar:

ClinVar aggregate classification (germline): Uncertain significance. Review status: criteria provided, multiple submitters, no conflicts (2 of 4 stars). 2 submissions from 2 submitters: Uncertain significance (2). Last evaluated 2024-02-16.

Conditions:
Hereditary cancer-predisposing syndrome. Also called: Hereditary Cancer Syndrome; Hereditary neoplastic syndrome; Neoplastic Syndromes, Hereditary; Tumor predisposition. Identifiers: Orphanet 140162, MedGen C0027672, MeSH D009386, MONDO:0015356.

Submissions (2):

Ambry Genetics
Classification: Uncertain significance for Hereditary cancer-predisposing syndrome. Last evaluated: 2024-02-16. Review status: criteria provided, single submitter. Criteria: Ambry Variant Classification Scheme 2023. Collection method: clinical testing. Allele origin: germline.
Comment: The p.V2220F variant (also known as c.6658G>T) is located in coding exon 48 of the POLE gene. The valine at codon 2220 is replaced by phenylalanine, an amino acid with highly similar properties. This change occurs in the first base pair of coding exon 48. This amino acid position is conserved. In addition, this alteration is predicted to be tolerated by in silico analysis. Based on the available evidence, the clinical significance of this alteration remains unclear.

Labcorp Genetics (formerly Invitae), Labcorp
Classification: Uncertain significance. Last evaluated: 2022-05-19. Review status: criteria provided, single submitter. Criteria: Invitae Variant Classification Sherloc (09022015). Collection method: clinical testing. Allele origin: germline.
Comment: This sequence change replaces valine, which is neutral and non-polar, with phenylalanine, which is neutral and non-polar, at codon 2220 of the POLE protein (p.Val2220Phe). This variant is not present in population databases (gnomAD no frequency). This variant has not been reported in the literature in individuals affected with POLE-related conditions. ClinVar contains an entry for this variant (Variation ID: 405674). Algorithms developed to predict the effect of missense changes on protein structure and function (SIFT, PolyPhen-2, Align-GVGD) all suggest that this variant is likely to be tolerated. Algorithms developed to predict the effect of sequence changes on RNA splicing suggest that this variant may disrupt the consensus splice site. In summary, the available evidence is currently insufficient to determine the role of this variant in disease. Therefore, it has been classified as a Variant of Uncertain Significance.

NM_006231.4(POLE):c.6658G>T (p.Val2220Phe)

Gene: POLE (DNA polymerase epsilon, catalytic subunit; minus strand). Cytogenetic location: 12q24.33.
Variant type: single nucleotide variant.
Coding change: c.6658G>T on transcript NM_006231.4 (MANE Select); coding-DNA position 6658, G replaced by T.
Protein change: p.Val2220Phe; replaces valine 2220 with phenylalanine.
Molecular consequence: missense variant.
Genome position (GRCh38, 1-based): chr12:132,624,994, C>A on the plus strand (G>T on the coding strand, the complement: POLE is on the minus strand). VCF-style: chr12-132624994-C-A. GRCh37 (hg19) VCF-style: chr12-133201580-C-A.
Other names: c.6658G>T (NM_006231.2); short protein forms V2220F.
Identifiers: ClinVar variation 405674 (VCV000405674.9), dbSNP rs1060500804, ClinGen allele CA16613700.
Genomic context (GRCh38, chr12:132,624,994, plus strand): 5'-CCGCGCAGCTGCAGTACACAGGCATGCTGGTCTCCTTCACCCCGCGGCACTTCAGGCAGA[C>A]CTGAAAGGGAGCAGCCCCGATGGGCGCCAGCCCTCCCGCGCTGGCCAGACCTGCCTGCTG-3'
Protein context (NP_006222.2, residues 2210-2230): KLMAFTLQDL[Val2220Phe]CLKCRGVKET